The following is an entry in ClinVar:

NM_001042492.3(NF1):c.7432A>G (p.Ile2478Val)

Gene: NF1 (neurofibromin 1; plus strand). Cytogenetic location: 17q11.2.
Variant type: single nucleotide variant.
Coding change: c.7432A>G on transcript NM_001042492.3 (MANE Select); coding-DNA position 7432, A replaced by G.
Protein change: p.Ile2478Val; replaces isoleucine 2478 with valine.
Molecular consequence: missense variant.
Genome position (GRCh38, 1-based): chr17:31,350,293, A>G. VCF-style: chr17-31350293-A-G. GRCh37 (hg19) VCF-style: chr17-29677311-A-G.
Other names: c.7369A>G, p.Ile2457Val (NM_000267.4); short protein forms I2457V, I2478V.
Identifiers: ClinVar variation 216412 (VCV000216412.34), dbSNP rs759307070, ClinGen allele CA336415.

ClinVar aggregate classification (germline): Conflicting classifications of pathogenicity. Review status: criteria provided, conflicting classifications (1 of 4 stars). 8 submissions from 8 submitters: Uncertain significance (6); Benign (1); Likely benign (1). Last evaluated 2026-06-03.

Conditions:
Hereditary cancer-predisposing syndrome. Also called: Tumor predisposition; Neoplastic Syndromes, Hereditary; Hereditary Cancer Syndrome; Hereditary neoplastic syndrome. Identifiers: Orphanet 140162, MedGen C0027672, MeSH D009386, MONDO:0015356.
Juvenile myelomonocytic leukemia (JMML). Also called: LEUKEMIA, JUVENILE MYELOMONOCYTIC, SOMATIC. Identifiers: Orphanet 86834, MedGen C0349639, MONDO:0011908, OMIM 607785, HP:0012209.
Neurofibromatosis, type 1 (NF1). Also called: NEUROFIBROMATOSIS, TYPE I, SOMATIC; Peripheral type neurofibromatosis; Neurofibromatosis, type I; VON RECKLINGHAUSEN DISEASE. Identifiers: Orphanet 636, MedGen C0027831, MONDO:0018975, OMIM 162200. Disease mechanism: loss of function.
Cardiovascular phenotype. Identifiers: MedGen CN230736.

Allele frequency attached by ClinVar (database versions not stated): TOPMed below 0.00001; ExAC 0.00001; gnomAD exomes 0.00001.
gnomAD v4.1: 11 of 1,612,954 alleles (0.00068%); highest among the groups gnomAD compares: Non-Finnish European, 0.00093%; no homozygotes.

Submissions (8):

Ambry Genetics
Classification: Likely benign for Cardiovascular phenotype; Hereditary cancer-predisposing syndrome. Last evaluated: 2026-06-03. Review status: criteria provided, single submitter. Criteria: Ambry Variant Classification Scheme 2023. Collection method: clinical testing. Allele origin: germline.

Labcorp Genetics (formerly Invitae), Labcorp
Classification: Benign for Neurofibromatosis, type 1. Last evaluated: 2026-01-19. Review status: criteria provided, single submitter. Criteria: Invitae Variant Classification Sherloc (09022015). Collection method: clinical testing. Allele origin: germline.

CeGaT Center for Human Genetics Tuebingen
Classification: Uncertain significance. Last evaluated: 2024-11-01. Review status: criteria provided, single submitter. Criteria: CeGaT Center For Human Genetics Tuebingen Variant Classification Criteria Version 2. Collection method: clinical testing. Allele origin: germline. Affected: yes. Observed: 1 variant allele.
Comment: NF1: PM2:Supporting, BP4

Quest Diagnostics Nichols Institute San Juan Capistrano
Classification: Uncertain significance. Last evaluated: 2023-12-18. Review status: criteria provided, single submitter. Criteria: Quest Diagnostics criteria. Collection method: clinical testing. Allele origin: unknown.

Baylor Genetics
Classification: Uncertain significance for Juvenile myelomonocytic leukemia. Last evaluated: 2022-12-20. Review status: criteria provided, single submitter. Criteria: ACMG Guidelines, 2015. Collection method: clinical testing. Allele origin: unknown.

Genome-Nilou Lab
Classification: Uncertain significance for Neurofibromatosis, type 1. Last evaluated: 2022-03-15. Review status: criteria provided, single submitter. Criteria: ACMG Guidelines, 2015. Collection method: clinical testing. Allele origin: germline. Affected: no.

Sema4
Classification: Uncertain significance for Hereditary cancer-predisposing syndrome. Last evaluated: 2022-02-01. Review status: criteria provided, single submitter. Criteria: Sema4 Curation Guidelines. Collection method: curation. Allele origin: germline.
Comment: The NF1 c.7369A>G (p.I2457V) variant has been reported in heterozygosity in at least two individuals with breast cancer (PMID: 33471991). This variant was observed in 2/113602 chromosomes in the Non-Finnish European population according to the Genome Aggregation Database (PMID: 32461654). The variant has been reported in ClinVar (Variation ID: 216412). In silico tools suggest the impact of the variant on protein function is benign, though these predictions have not been confirmed by functional studies. The evidence is insufficient to meet ACMG/AMP criteria for classifying the variant as benign or pathogenic. Thus, the clinical significance of this variant is currently uncertain.

GeneDx
Classification: Uncertain significance. Last evaluated: 2020-03-04. Review status: criteria provided, single submitter. Criteria: GeneDx Variant Classification Process June 2021. Collection method: clinical testing. Allele origin: germline. Affected: yes.
Comment: In silico analysis supports that this missense variant does not alter protein structure/function; Has not been previously published as pathogenic or benign to our knowledge

Literature cited by the submitters: PubMed 33471991 (cited by Quest Diagnostics Nichols Institute San Juan Capistrano and Sema4).